The following is an entry in ClinVar:

ClinVar aggregate classification (germline): Conflicting classifications of pathogenicity. Review status: criteria provided, conflicting classifications (1 of 4 stars). 6 submissions from 6 submitters: Uncertain significance (3); Benign (2); Likely benign (1). Last evaluated 2026-02-25.

Conditions:
Cardiovascular phenotype. Identifiers: MedGen CN230736.
DSP-related disorder. Also called: DSP-related disorders; DSP-related condition.
Keratosis palmoplantaris striata 2. Also called: KERATODERMA, PALMOPLANTAR, STRIATE FORM II; STRIATE PALMOPLANTAR KERATODERMA II; Keratosis palmoplantaris striata II. Identifiers: MedGen C1852127, MONDO:0013034, OMIM 612908.
Lethal acantholytic epidermolysis bullosa (EBLA). Identifiers: Orphanet 158687, MedGen C1864826, MONDO:0012323, OMIM 609638.
Cardiomyopathy, dilated, with wooly hair, keratoderma, and tooth agenesis. Also called: Cardiomyopathy, dilated, with woolly hair, keratoderma, and tooth agenesis; Erythrokeratodermia-cardiomyopathy syndrome. Identifiers: Orphanet 476096, Orphanet 65282, MedGen C4014393, MONDO:0014355, OMIM 615821.
Arrhythmogenic cardiomyopathy with wooly hair and keratoderma. Also called: Carvajal syndrome; Dilated cardiomyopathy with woolly hair and keratoderma; PALMOPLANTAR KERATODERMA WITH LEFT VENTRICULAR CARDIOMYOPATHY AND WOOLLY HAIR; Arrhythmogenic cardiomyopathy with woolly hair and keratoderma. Identifiers: Orphanet 65282, MedGen C1854063, MONDO:0011581, OMIM 605676.
Arrhythmogenic right ventricular dysplasia 8 (ARVD8). Also called: Arrhythmogenic Right Ventricular Dysplasia/Cardiomyopathy 8; ARRHYTHMOGENIC RIGHT VENTRICULAR DYSPLASIA, FAMILIAL, 8; ARRHYTHMOGENIC RIGHT VENTRICULAR CARDIOMYOPATHY 8. Identifiers: MedGen C1843896, MONDO:0011831, OMIM 607450.
Cardiomyopathy (CMYO). Also called: Cardiomyopathies. Identifiers: Orphanet 167848, MedGen C0878544, MONDO:0004994, HP:0001638. Inheritance: Various modes of inheritance.

Allele frequency attached by ClinVar (database versions not stated): gnomAD exomes 0.00001 and 0.00004; ExAC 0.00004; gnomAD 0.00011 and 0.00014; TOPMed 0.00012; ESP Exome Variant Server 0.00015.
gnomAD v4.1: 32 of 1,614,008 alleles (0.002%); highest among the groups gnomAD compares: African/African-American, 0.037%; no homozygotes.

Submissions (6):

PreventionGenetics, part of Exact Sciences
Classification: Uncertain significance for DSP-related condition. Last evaluated: 2026-02-25. Review status: criteria provided, single submitter. Criteria: ACMG Guidelines, 2015. Collection method: clinical testing. Allele origin: germline.
Comment: The DSP c.1534A>G variant is predicted to result in the amino acid substitution p.Ile512Val. To our knowledge, this variant has not been reported in the literature. This variant is reported in 0.064% of alleles in individuals of African descent in gnomAD. Although we suspect that this variant may be benign, at this time, the clinical significance of this variant is uncertain due to the absence of conclusive functional and genetic evidence.

Labcorp Genetics (formerly Invitae), Labcorp
Classification: Benign for Arrhythmogenic cardiomyopathy with wooly hair and keratoderma; Arrhythmogenic right ventricular dysplasia 8. Last evaluated: 2025-10-25. Review status: criteria provided, single submitter. Criteria: Invitae Variant Classification Sherloc (09022015). Collection method: clinical testing. Allele origin: germline.

GeneDx
Classification: Uncertain significance. Last evaluated: 2025-04-30. Review status: criteria provided, single submitter. Criteria: GeneDx Variant Classification Process June 2021. Collection method: clinical testing. Allele origin: germline. Affected: yes.
Comment: Has not been previously published as pathogenic or benign to our knowledge; In silico analysis indicates that this missense variant does not alter protein structure/function

Ambry Genetics
Classification: Benign for Cardiovascular phenotype. Last evaluated: 2024-01-04. Review status: criteria provided, single submitter. Criteria: Ambry Variant Classification Scheme 2023. Collection method: clinical testing. Allele origin: germline.

Color Diagnostics, LLC DBA Color Health
Classification: Likely benign for Cardiomyopathy. Last evaluated: 2021-01-11. Review status: criteria provided, single submitter. Criteria: ACMG Guidelines, 2015. Collection method: clinical testing. Allele origin: germline.

Center for Genomics, Ann and Robert H. Lurie Children's Hospital of Chicago
Classification: Uncertain significance for Arrhythmogenic right ventricular dysplasia 8; Lethal acantholytic epidermolysis bullosa; Keratosis palmoplantaris striata 2; Cardiomyopathy, dilated, with wooly hair, keratoderma, and tooth agenesis; Arrhythmogenic cardiomyopathy with wooly hair and keratoderma. Review status: criteria provided, single submitter. Criteria: ACMG Guidelines, 2015. Collection method: clinical testing. Allele origin: germline.
Comment: DSP NM_004415.3 exon 12 p.Ile512Val (c.1534A>G): This variant has not been reported in the literature but is present in 0.06% (16/24956) of African alleles in the Genome Aggregation Database. This variant is present in ClinVar (Variation ID:860693). Evolutionary conservation and computational predictive tools for this variant are unclear. In summary, data on this variant is insufficient for disease classification. Therefore, the clinical significance of this variant is uncertain.

NM_004415.4(DSP):c.1534A>G (p.Ile512Val)

Gene: DSP (desmoplakin; plus strand). Cytogenetic location: 6p24.3.
Variant type: single nucleotide variant.
Coding change: c.1534A>G on transcript NM_004415.4 (MANE Select); coding-DNA position 1534, A replaced by G.
Protein change: p.Ile512Val; replaces isoleucine 512 with valine.
Molecular consequence: missense variant.
Genome position (GRCh38, 1-based): chr6:7,569,300, A>G. VCF-style: chr6-7569300-A-G. GRCh37 (hg19) VCF-style: chr6-7569533-A-G.
Other names: c.1534A>G, p.Ile512Val (NM_001008844.3, NM_001319034.2); c.1534A>G (NM_004415.3); short protein forms I512V.
Identifiers: ClinVar variation 860693 (VCV000860693.18), dbSNP rs202025438, ClinGen allele CA028615.